The following is an entry in ClinVar:

NM_177438.3(DICER1):c.3910T>C (p.Ser1304Pro)

Gene: DICER1 (dicer 1, ribonuclease III; minus strand). Cytogenetic location: 14q32.13.
Variant type: single nucleotide variant.
Coding change: c.3910T>C on transcript NM_177438.3 (MANE Select); coding-DNA position 3910, T replaced by C.
Protein change: p.Ser1304Pro; replaces serine 1304 with proline.
Molecular consequence: missense variant. On other transcripts: non-coding transcript variant (6).
Genome position (GRCh38, 1-based): chr14:95,103,486, A>G on the plus strand (T>C on the coding strand, the complement: DICER1 is on the minus strand). VCF-style: chr14-95103486-A-G. GRCh37 (hg19) VCF-style: chr14-95569823-A-G.
Other names: c.3910T>C, p.Ser1304Pro (NM_001195573.1, NM_001271282.3, NM_001291628.2 and 12 more transcripts); c.3628T>C, p.Ser1210Pro (NM_001395686.1); c.3505T>C, p.Ser1169Pro (NM_001395687.1, NM_001395688.1, NM_001395689.1 and 2 more transcripts); c.3343T>C, p.Ser1115Pro (NM_001395691.1); c.2227T>C, p.Ser743Pro (NM_001395697.1); short protein forms S1115P, S1169P, S1210P, S1304P, S743P.
Identifiers: ClinVar variation 3619655 (VCV003619655.3).

ClinVar aggregate classification (germline): Uncertain significance. Review status: criteria provided, multiple submitters, no conflicts (2 of 4 stars). 2 submissions from 2 submitters: Uncertain significance (2). Last evaluated 2025-06-28.

Conditions:
DICER1-related tumor predisposition. Also called: DICER1 syndrome; DICER1-related pleuropulmonary blastoma cancer predisposition syndrome. Identifiers: Orphanet 284343, MedGen C3839822, MONDO:0100216.
Hereditary cancer-predisposing syndrome. Also called: Neoplastic Syndromes, Hereditary; Tumor predisposition; Hereditary Cancer Syndrome; Hereditary neoplastic syndrome. Identifiers: Orphanet 140162, MedGen C0027672, MeSH D009386, MONDO:0015356.

Submissions (2):

Ambry Genetics
Classification: Uncertain significance for Hereditary cancer-predisposing syndrome. Last evaluated: 2025-06-28. Review status: criteria provided, single submitter. Criteria: Ambry Variant Classification Scheme 2023. Collection method: clinical testing. Allele origin: germline.
Comment: The p.S1304P variant (also known as c.3910T>C), located in coding exon 20 of the DICER1 gene, results from a T to C substitution at nucleotide position 3910. The serine at codon 1304 is replaced by proline, an amino acid with similar properties. This amino acid position is conserved. In addition, this alteration is predicted to be deleterious by in silico analysis. Based on the available evidence, the clinical significance of this variant remains unclear.

Labcorp Genetics (formerly Invitae), Labcorp
Classification: Uncertain significance for DICER1-related tumor predisposition. Last evaluated: 2024-06-09. Review status: criteria provided, single submitter. Criteria: Invitae Variant Classification Sherloc (09022015). Collection method: clinical testing. Allele origin: germline.
Comment: This sequence change replaces serine, which is neutral and polar, with proline, which is neutral and non-polar, at codon 1304 of the DICER1 protein (p.Ser1304Pro). This variant is not present in population databases (gnomAD no frequency). This variant has not been reported in the literature in individuals affected with DICER1-related conditions. Advanced modeling of protein sequence and biophysical properties (such as structural, functional, and spatial information, amino acid conservation, physicochemical variation, residue mobility, and thermodynamic stability) performed at Invitae indicates that this missense variant is expected to disrupt DICER1 protein function with a positive predictive value of 80%. In summary, the available evidence is currently insufficient to determine the role of this variant in disease. Therefore, it has been classified as a Variant of Uncertain Significance.